The following is an entry in ClinVar:

ClinVar aggregate classification (germline): Uncertain significance (1 of 4 stars; one submission).

Allele frequency attached by ClinVar (database versions not stated): TOPMed 0.00001.
gnomAD v4.1: 9 of 1,613,708 alleles (0.00056%); highest among the groups gnomAD compares: Non-Finnish European, 0.00051%; no homozygotes.

Submission:

Labcorp Genetics (formerly Invitae), Labcorp
Classification: Uncertain significance. Last evaluated: 2023-12-22. Review status: criteria provided, single submitter. Criteria: Invitae Variant Classification Sherloc (09022015). Collection method: clinical testing. Allele origin: germline.
Comment: This sequence change replaces arginine, which is basic and polar, with histidine, which is basic and polar, at codon 473 of the DNM1L protein (p.Arg473His). This variant is not present in population databases (gnomAD no frequency). This variant has not been reported in the literature in individuals affected with DNM1L-related conditions. ClinVar contains an entry for this variant (Variation ID: 2010362). An algorithm developed to predict the effect of missense changes on protein structure and function (PolyPhen-2) suggests that this variant is likely to be disruptive. In summary, the available evidence is currently insufficient to determine the role of this variant in disease. Therefore, it has been classified as a Variant of Uncertain Significance.

NM_012062.5(DNM1L):c.1418G>A (p.Arg473His)

Gene: DNM1L (dynamin 1 like; plus strand). Cytogenetic location: 12p11.21.
Variant type: single nucleotide variant.
Coding change: c.1418G>A on transcript NM_012062.5 (MANE Select); coding-DNA position 1418, G replaced by A.
Protein change: p.Arg473His; replaces arginine 473 with histidine.
Molecular consequence: missense variant.
Genome position (GRCh38, 1-based): chr12:32,731,915, G>A. VCF-style: chr12-32731915-G-A. GRCh37 (hg19) VCF-style: chr12-32884849-G-A.
Other names: c.1418G>A, p.Arg473His (NM_001278463.2, NM_005690.5, NM_012063.4); c.1457G>A, p.Arg486His (NM_001278464.2, NM_001278465.2, NM_001330380.2); c.809G>A, p.Arg270His (NM_001278466.2); short protein forms R270H, R486H, R473H.
Identifiers: ClinVar variation 2010362 (VCV002010362.4), dbSNP rs900218595, ClinGen allele CA235196236.